The following is an entry in ClinVar:

NM_001166108.2(PALLD):c.2602A>G (p.Ile868Val)

Genes: CBR4 (carbonyl reductase 4; minus strand), PALLD (palladin, cytoskeletal associated protein; plus strand). Cytogenetic location: 4q32.3.
Variant type: single nucleotide variant.
Coding change: c.2602A>G on transcript NM_001166108.2 (MANE Select); coding-DNA position 2602, A replaced by G.
Protein change: p.Ile868Val; replaces isoleucine 868 with valine.
Molecular consequence: missense variant.
Genome position (GRCh38, 1-based): chr4:168,903,886, A>G. VCF-style: chr4-168903886-A-G. GRCh37 (hg19) VCF-style: chr4-169825037-A-G.
Other names: c.1405A>G, p.Ile469Val (NM_001166109.2); c.1090A>G, p.Ile364Val (NM_001166110.2); c.430A>G, p.Ile144Val (NM_001367567.1, NM_001367569.1); c.481A>G, p.Ile161Val (NM_001367568.1, NM_001367570.1); c.2551A>G, p.Ile851Val (NM_016081.4); short protein forms I161V, I144V, I851V, I469V, I364V, I868V.
Identifiers: ClinVar variation 2497007 (VCV002497007.4), dbSNP rs776143139, ClinGen allele CA3135910.

ClinVar aggregate classification (germline): Uncertain significance. Review status: criteria provided, multiple submitters, no conflicts (2 of 4 stars). 2 submissions from 2 submitters: Uncertain significance (2). Last evaluated 2024-10-05.

Conditions:
Pancreatic adenocarcinoma. Identifiers: MedGen C0281361, MONDO:0006047, HP:0006725.

Allele frequency attached by ClinVar (database versions not stated): TOPMed below 0.00001; gnomAD exomes 0.00001; ExAC 0.00002.
gnomAD v4.1: 4 of 1,614,116 alleles (0.00025%); highest among the groups gnomAD compares: Admixed American, 0.0017%; no homozygotes.

Submissions (2):

Labcorp Genetics (formerly Invitae), Labcorp
Classification: Uncertain significance for Pancreatic adenocarcinoma. Last evaluated: 2024-10-05. Review status: criteria provided, single submitter. Criteria: Invitae Variant Classification Sherloc (09022015). Collection method: clinical testing. Allele origin: germline.
Comment: This sequence change replaces isoleucine, which is neutral and non-polar, with valine, which is neutral and non-polar, at codon 364 of the PALLD protein (p.Ile364Val). This variant is present in population databases (rs776143139, gnomAD 0.003%). This variant has not been reported in the literature in individuals affected with PALLD-related conditions. ClinVar contains an entry for this variant (Variation ID: 2497007). An algorithm developed to predict the effect of missense changes on protein structure and function outputs the following: PolyPhen-2: "Benign". The valine amino acid residue is found in multiple mammalian species, which suggests that this missense change does not adversely affect protein function. In summary, the available evidence is currently insufficient to determine the role of this variant in disease. Therefore, it has been classified as a Variant of Uncertain Significance.

Ambry Genetics
Classification: Uncertain significance. Last evaluated: 2022-11-19. Review status: criteria provided, single submitter. Criteria: Ambry Variant Classification Scheme 2023. Collection method: clinical testing. Allele origin: germline.
Comment: The p.I851V variant (also known as c.2551A>G), located in coding exon 13 of the PALLD gene, results from an A to G substitution at nucleotide position 2551. The isoleucine at codon 851 is replaced by valine, an amino acid with highly similar properties. This amino acid position is conserved. In addition, this alteration is predicted to be tolerated by in silico analysis. Since supporting evidence is limited at this time, the clinical significance of this alteration remains unclear.